The following is an entry in ClinVar:

ClinVar aggregate classification (germline): Uncertain significance. Review status: criteria provided, multiple submitters, no conflicts (2 of 4 stars). 2 submissions from 2 submitters: Uncertain significance (2). Last evaluated 2023-01-20.

Conditions:
Emery-Dreifuss muscular dystrophy 4, autosomal dominant (EDMD4). Also called: EMERY-DREIFUSS MUSCULAR DYSTROPHY 4 WITH VARIABLE FEATURES. Identifiers: Orphanet 261, MedGen C2751807, MONDO:0013071, OMIM 612998.
Autosomal recessive ataxia, Beauce type. Also called: SYNE1 Deficiency; Spinocerebellar ataxia, autosomal recessive 8; ATAXIA, RECESSIVE, OF BEAUCE; SYNE1-Related Autosomal Recessive Cerebellar Ataxia. Identifiers: Orphanet 88644, MedGen C1853116, MONDO:0012549, OMIM 610743.

Submissions (2):

Labcorp Genetics (formerly Invitae), Labcorp
Classification: Uncertain significance for Emery-Dreifuss muscular dystrophy 4, autosomal dominant; Autosomal recessive ataxia, Beauce type. Last evaluated: 2023-01-20. Review status: criteria provided, single submitter. Criteria: Invitae Variant Classification Sherloc (09022015). Collection method: clinical testing. Allele origin: germline.
Comment: This sequence change replaces glutamic acid, which is acidic and polar, with lysine, which is basic and polar, at codon 5541 of the SYNE1 protein (p.Glu5541Lys). This variant is not present in population databases (gnomAD no frequency). This variant has not been reported in the literature in individuals affected with SYNE1-related conditions. Algorithms developed to predict the effect of missense changes on protein structure and function (SIFT, PolyPhen-2, Align-GVGD) all suggest that this variant is likely to be tolerated. In summary, the available evidence is currently insufficient to determine the role of this variant in disease. Therefore, it has been classified as a Variant of Uncertain Significance.

Revvity Omics, Revvity
Classification: Uncertain significance. Last evaluated: 2021-04-22. Review status: criteria provided, single submitter. Criteria: ACMG Guidelines, 2015. Collection method: clinical testing. Allele origin: germline.

NM_182961.4(SYNE1):c.16834G>A (p.Glu5612Lys)

Genes: SYNE1 (spectrin repeat containing nuclear envelope protein 1; minus strand), LOC126859837 (BRD4-independent group 4 enhancer GRCh37_chr6:152630775-152631974; plus strand). Cytogenetic location: 6q25.2.
Variant type: single nucleotide variant.
Coding change: c.16834G>A on transcript NM_182961.4 (MANE Select); coding-DNA position 16834, G replaced by A.
Protein change: p.Glu5612Lys; replaces glutamic acid 5612 with lysine.
Molecular consequence: missense variant.
Genome position (GRCh38, 1-based): chr6:152,310,750, C>T on the plus strand (G>A on the coding strand, the complement: SYNE1 is on the minus strand). VCF-style: chr6-152310750-C-T. GRCh37 (hg19) VCF-style: chr6-152631885-C-T.
Other names: c.16621G>A, p.Glu5541Lys (NM_033071.5); short protein forms E5612K, E5541K.
Identifiers: ClinVar variation 2049913 (VCV002049913.6), dbSNP rs2482799625, ClinGen allele CA366107907.
Genomic context (GRCh38, chr6:152,310,750, plus strand): 5'-TAGCTGCATCTTGGAGGTTCTGCAAACGAATTTTGATCATCTGTCGCAACTCCTCAGTCT[C>T]CCGTCCCAGTTCTGCCACTTGCTGAGACATTTTTTCTGTACAGTACACGCTAGTGAGGTA-3'
Protein context (NP_892006.3, residues 5602-5622): MSQQVAELGR[Glu5612Lys]TEELRQMIKI